The following is an entry in ClinVar:

NM_001348800.3(ZBTB20):c.1847C>T (p.Ser616Phe)

Gene: ZBTB20 (zinc finger and BTB domain containing 20; minus strand). Cytogenetic location: 3q13.31.
Variant type: single nucleotide variant.
Coding change: c.1847C>T on transcript NM_001348800.3 (MANE Select); coding-DNA position 1847, C replaced by T.
Protein change: p.Ser616Phe; replaces serine 616 with phenylalanine.
Molecular consequence: missense variant. On other transcripts: non-coding transcript variant (1).
Genome position (GRCh38, 1-based): chr3:114,339,384, G>A on the plus strand (C>T on the coding strand, the complement: ZBTB20 is on the minus strand). VCF-style: chr3-114339384-G-A. GRCh37 (hg19) VCF-style: chr3-114058231-G-A.
Other names: c.1847C>T, p.Ser616Phe (NM_001164342.2, NM_001348803.3, NM_001393393.1 and 1 more transcripts); c.1628C>T, p.Ser543Phe (NM_001164343.2, NM_001164344.4, NM_001164345.4 and 9 more transcripts); short protein forms S616F, S543F.
Identifiers: ClinVar variation 264659 (VCV000264659.4), dbSNP rs879255635, ClinGen allele CA10586200.

ClinVar aggregate classification (germline): Likely pathogenic (1 of 4 stars; one submission).

Submission:

GeneDx
Classification: Likely pathogenic. Last evaluated: 2026-09-09. Review status: criteria provided, single submitter. Criteria: GeneDx Variant Classification Process June 2021. Collection method: clinical testing. Allele origin: germline.
Comment: Not observed at significant frequency in large population cohorts (gnomAD); In silico analysis supports that this missense variant has a deleterious effect on protein structure/function; This variant is associated with the following publications: (PMID: 32266967, 27061120)